The following is an entry in ClinVar:

NM_001184.4(ATR):c.7618A>G (p.Met2540Val)

Gene: ATR (ATR checkpoint kinase; minus strand). Cytogenetic location: 3q23.
Variant type: single nucleotide variant.
Coding change: c.7618A>G on transcript NM_001184.4 (MANE Select); coding-DNA position 7618, A replaced by G.
Protein change: p.Met2540Val; replaces methionine 2540 with valine.
Molecular consequence: missense variant.
Genome position (GRCh38, 1-based): chr3:142,457,641, T>C on the plus strand (A>G on the coding strand, the complement: ATR is on the minus strand). VCF-style: chr3-142457641-T-C. GRCh37 (hg19) VCF-style: chr3-142176483-T-C.
Other names: c.7426A>G, p.Met2476Val (NM_001354579.2); short protein forms M2476V, M2540V.
Identifiers: ClinVar variation 2453594 (VCV002453594.4), dbSNP rs2070935218, ClinGen allele CA354794833.
Genomic context (GRCh38, chr3:142,457,641, plus strand): 5'-ATTTACAAAGTATAGGTGATTACCTCATTAAAGGCTCTCGCTGATCACGCATCAGCCTCA[T>C]TGTAACTTCACATGCTCTTCGAAAAAGACCCTCTGTTCCCATAGGACCCATTCCATTAAC-3'
Protein context (NP_001175.2, residues 2530-2550): GLFRRACEVT[Met2540Val]RLMRDQREPL

ClinVar aggregate classification (germline): Uncertain significance. Review status: criteria provided, multiple submitters, no conflicts (2 of 4 stars). 2 submissions from 2 submitters: Uncertain significance (2). Last evaluated 2023-02-15.

Conditions:
Inborn genetic diseases. Identifiers: MedGen C0950123, MeSH D030342.

Allele frequency attached by ClinVar (database versions not stated): gnomAD 0.00001.
gnomAD v4.1: 1 of 1,613,958 alleles (0.000062%); highest among the groups gnomAD compares: African/African-American, 0.0013%; no homozygotes.

Submissions (2):

Ambry Genetics
Classification: Uncertain significance for Inborn genetic diseases. Last evaluated: 2023-02-15. Review status: criteria provided, single submitter. Criteria: Ambry Variant Classification Scheme 2023. Collection method: clinical testing. Allele origin: germline.
Comment: The p.M2540V variant (also known as c.7618A>G), located in coding exon 45 of the ATR gene, results from an A to G substitution at nucleotide position 7618. The methionine at codon 2540 is replaced by valine, an amino acid with highly similar properties. This amino acid position is conserved. In addition, this alteration is predicted to be tolerated by in silico analysis. Since supporting evidence is limited at this time, the clinical significance of this alteration remains unclear.

Labcorp Genetics (formerly Invitae), Labcorp
Classification: Uncertain significance. Last evaluated: 2023-01-30. Review status: criteria provided, single submitter. Criteria: Invitae Variant Classification Sherloc (09022015). Collection method: clinical testing. Allele origin: germline.
Comment: In summary, the available evidence is currently insufficient to determine the role of this variant in disease. Therefore, it has been classified as a Variant of Uncertain Significance. Algorithms developed to predict the effect of missense changes on protein structure and function are either unavailable or do not agree on the potential impact of this missense change (SIFT: "Deleterious"; PolyPhen-2: "Benign"; Align-GVGD: "Class C0"). This sequence change replaces methionine, which is neutral and non-polar, with valine, which is neutral and non-polar, at codon 2540 of the ATR protein (p.Met2540Val). This variant is not present in population databases (gnomAD no frequency). This variant has not been reported in the literature in individuals affected with ATR-related conditions.